The following is an entry in ClinVar:

ClinVar aggregate classification (germline): Pathogenic (1 of 4 stars; one submission).

Submission:

Labcorp Genetics (formerly Invitae), Labcorp
Classification: Pathogenic. Last evaluated: 2021-12-02. Review status: criteria provided, single submitter. Criteria: Invitae Variant Classification Sherloc (09022015). Collection method: clinical testing. Allele origin: germline.
Comment: This sequence change creates a premature translational stop signal (p.Tyr395Thrfs*29) in the EIF2B5 gene. It is expected to result in an absent or disrupted protein product. Loss-of-function variants in EIF2B5 are known to be pathogenic (PMID: 11704758, 15060152, 21307862). This variant is not present in population databases (gnomAD no frequency). This variant has not been reported in the literature in individuals affected with EIF2B5-related conditions. For these reasons, this variant has been classified as Pathogenic.

Literature cited by the submitters: PubMed 11704758; PubMed 15060152; PubMed 21307862.

NM_003907.3(EIF2B5):c.1182del (p.Tyr395fs)

Gene: EIF2B5 (eukaryotic translation initiation factor 2B subunit epsilon; plus strand). Cytogenetic location: 3q27.1.
Variant type: Deletion.
Coding change: c.1182del on transcript NM_003907.3 (MANE Select); coding-DNA position 1182, one base deleted (C; older notation c.1182delC).
Protein change: p.Tyr395fs; shifts the reading frame from tyrosine 395.
Molecular consequence: frameshift variant.
Genome position (GRCh38, 1-based): chr3:184,141,950, C deleted; the last of 2 consecutive C bases (chr3:184,141,949-184,141,950); deleting either gives the same sequence. VCF-style (leftmost placement, unchanged base first): chr3-184141948-AC-A. GRCh37 (hg19) VCF-style: chr3-183859736-AC-A.
Other names: short protein forms Y395fs.
Identifiers: ClinVar variation 1352082 (VCV001352082.6), dbSNP rs2109010145, ClinGen allele CA2573136809.